The following is an entry in ClinVar:

ClinVar aggregate classification (germline): Uncertain significance (1 of 4 stars; one submission).

Conditions:
Gorlin syndrome. Also called: Nevoid Basal Cell Carcinoma Syndrome; Basal cell nevus syndrome. Identifiers: Orphanet 377, MedGen C0004779, MONDO:0007187.

Allele frequency attached by ClinVar (database versions not stated): ExAC 0.00001; TOPMed 0.00003.
gnomAD v4.1: 2 of 1,614,096 alleles (0.00012%); highest among the groups gnomAD compares: Non-Finnish European, 0.00017%; no homozygotes.

Submission:

Labcorp Genetics (formerly Invitae), Labcorp
Classification: Uncertain significance for Gorlin syndrome. Last evaluated: 2022-09-25. Review status: criteria provided, single submitter. Criteria: Invitae Variant Classification Sherloc (09022015). Collection method: clinical testing. Allele origin: germline.
Comment: Advanced modeling of protein sequence and biophysical properties (such as structural, functional, and spatial information, amino acid conservation, physicochemical variation, residue mobility, and thermodynamic stability) performed at Invitae indicates that this missense variant is not expected to disrupt PTCH2 protein function. In summary, the available evidence is currently insufficient to determine the role of this variant in disease. Therefore, it has been classified as a Variant of Uncertain Significance. This variant has not been reported in the literature in individuals affected with PTCH2-related conditions. This variant is present in population databases (rs768407826, gnomAD 0.002%). This sequence change replaces proline, which is neutral and non-polar, with histidine, which is basic and polar, at codon 771 of the PTCH2 protein (p.Pro771His).

NM_003738.5(PTCH2):c.2312C>A (p.Pro771His)

Gene: PTCH2 (patched 2; minus strand). Cytogenetic location: 1p34.1.
Variant type: single nucleotide variant.
Coding change: c.2312C>A on transcript NM_003738.5 (MANE Select); coding-DNA position 2312, C replaced by A.
Protein change: p.Pro771His; replaces proline 771 with histidine.
Molecular consequence: missense variant.
Genome position (GRCh38, 1-based): chr1:44,827,461, G>T on the plus strand (C>A on the coding strand, the complement: PTCH2 is on the minus strand). VCF-style: chr1-44827461-G-T. GRCh37 (hg19) VCF-style: chr1-45293133-G-T.
Other names: c.2312C>A, p.Pro771His (NM_001166292.2); short protein forms P771H.
Identifiers: ClinVar variation 2191827 (VCV002191827.4), dbSNP rs768407826, ClinGen allele CA823057.